The following is an entry in ClinVar:

ClinVar aggregate classification (germline): Likely benign. Review status: criteria provided, multiple submitters, no conflicts (2 of 4 stars). 2 submissions from 2 submitters: Likely benign (2). Last evaluated 2025-09-23.

Conditions:
Cornelia de Lange syndrome 4 (CDLS4). Also called: RAD21-Related Cornelia de Lange Syndrome; CORNELIA DE LANGE SYNDROME 4 WITH OR WITHOUT MIDLINE BRAIN DEFECTS. Identifiers: Orphanet 199, MedGen C3553517, MONDO:0013864, OMIM 614701.
RAD21-related disorder. Also called: RAD21-related condition; RAD21- Related disorders.

Submissions (5):

Labcorp Genetics (formerly Invitae), Labcorp
Classification: Likely benign for Cornelia de Lange syndrome 4. Last evaluated: 2025-09-23. Review status: criteria provided, single submitter. Criteria: Invitae Variant Classification Sherloc (09022015). Collection method: clinical testing. Allele origin: germline.

PreventionGenetics, part of Exact Sciences
Classification: Likely benign for RAD21-related condition. Last evaluated: 2025-01-02. Review status: criteria provided, single submitter. Criteria: ACMG Guidelines, 2015. Collection method: clinical testing. Allele origin: germline.
Comment: This variant is classified as likely benign based on ACMG/AMP sequence variant interpretation guidelines (Richards et al. 2015 PMID: 25741868, with internal and published modifications).

Dr. Peter K. Rogan Lab, Western University
No classification provided (evidence only). Condition: Familial cancer of breast. Review status: no classification provided. Collection method: in vitro. Allele origin: not applicable. Functional consequence: retained intron. Not counted in ClinVar's aggregate classification.

Dr. Peter K. Rogan Lab, Western University
No classification provided (evidence only). Condition: Sarcoma. Review status: no classification provided. Collection method: in vitro. Allele origin: not applicable. Functional consequence: retained intron. Not counted in ClinVar's aggregate classification.

Dr. Peter K. Rogan Lab, Western University
No classification provided (evidence only). Condition: Ovarian serous cystadenocarcinoma. Review status: no classification provided. Collection method: in vitro. Allele origin: not applicable. Functional consequence: retained intron. Not counted in ClinVar's aggregate classification.

NM_006265.3(RAD21):c.815-4A>T

Gene: RAD21 (RAD21 cohesin complex component; minus strand). Cytogenetic location: 8q24.11.
Variant type: single nucleotide variant.
Coding change: c.815-4A>T on transcript NM_006265.3 (MANE Select); 4 bases into the intron before coding-DNA position 815, A replaced by T.
Molecular consequence: intron variant.
Genome position (GRCh38, 1-based): chr8:116,856,292, T>A on the plus strand (A>T on the coding strand, the complement: RAD21 is on the minus strand). VCF-style: chr8-116856292-T-A. GRCh37 (hg19) VCF-style: chr8-117868531-T-A.
Other names: NC_000008.10:g.117868531T>A; c.815-4A>T (NM_006265.2).
Identifiers: ClinVar variation 4342573 (VCV004342573.3).